The following is an entry in ClinVar:

ClinVar aggregate classification (germline): Uncertain significance (1 of 4 stars; one submission).

Conditions:
Chédiak-Higashi syndrome (CHS). Also called: Chediak-Higashi Syndrome. Identifiers: Orphanet 167, MedGen C0007965, MONDO:0008963, OMIM 214500.

gnomAD v4.1: 2 of 1,613,666 alleles (0.00012%); highest among the groups gnomAD compares: African/African-American, 0.0013%; no homozygotes.

Submission:

Labcorp Genetics (formerly Invitae), Labcorp
Classification: Uncertain significance for Chédiak-Higashi syndrome. Last evaluated: 2025-11-10. Review status: criteria provided, single submitter. Criteria: Invitae Variant Classification Sherloc (09022015). Collection method: clinical testing. Allele origin: germline.
Comment: This sequence change replaces leucine, which is neutral and non-polar, with phenylalanine, which is neutral and non-polar, at codon 1258 of the LYST protein (p.Leu1258Phe). This variant is present in population databases (rs571507792, gnomAD 0.007%). This variant has not been reported in the literature in individuals affected with LYST-related conditions. Invitae Evidence Modeling of protein sequence and biophysical properties (such as structural, functional, and spatial information, amino acid conservation, physicochemical variation, residue mobility, and thermodynamic stability) indicates that this missense variant is not expected to disrupt LYST protein function with a negative predictive value of 80%. In summary, the available evidence is currently insufficient to determine the role of this variant in disease. Therefore, it has been classified as a Variant of Uncertain Significance.

NM_000081.4(LYST):c.3772C>T (p.Leu1258Phe)

Gene: LYST (lysosomal trafficking regulator; minus strand). Cytogenetic location: 1q42.3.
Variant type: single nucleotide variant.
Coding change: c.3772C>T on transcript NM_000081.4 (MANE Select); coding-DNA position 3772, C replaced by T.
Protein change: p.Leu1258Phe; replaces leucine 1258 with phenylalanine.
Molecular consequence: missense variant.
Genome position (GRCh38, 1-based): chr1:235,801,038, G>A on the plus strand (C>T on the coding strand, the complement: LYST is on the minus strand). VCF-style: chr1-235801038-G-A. GRCh37 (hg19) VCF-style: chr1-235964338-G-A.
Other names: c.3772C>T, p.Leu1258Phe (NM_001301365.1); short protein forms L1258F.
Identifiers: ClinVar variation 4766248 (VCV004766248.1).